The following is an entry in ClinVar:

ClinVar aggregate classification (germline): Uncertain significance. Review status: criteria provided, multiple submitters, no conflicts (2 of 4 stars). 2 submissions from 2 submitters: Uncertain significance (2). Last evaluated 2025-04-25.

Conditions:
Inborn genetic diseases. Identifiers: MedGen C0950123, MeSH D030342.

Submissions (2):

Ambry Genetics
Classification: Uncertain significance for Inborn genetic diseases. Last evaluated: 2025-04-25. Review status: criteria provided, single submitter. Criteria: Ambry Variant Classification Scheme 2023. Collection method: clinical testing. Allele origin: germline.

GeneDx
Classification: Uncertain significance. Last evaluated: 2023-03-22. Review status: criteria provided, single submitter. Criteria: GeneDx Variant Classification Process June 2021. Collection method: clinical testing. Allele origin: germline. Affected: yes.
Comment: Not observed at significant frequency in large population cohorts (gnomAD); In silico analysis supports that this missense variant does not alter protein structure/function; Has not been previously published as pathogenic or benign to our knowledge

NM_005045.4(RELN):c.4503G>T (p.Arg1501Ser)

Gene: RELN (reelin; minus strand). Cytogenetic location: 7q22.1.
Variant type: single nucleotide variant.
Coding change: c.4503G>T on transcript NM_005045.4 (MANE Select); coding-DNA position 4503, G replaced by T.
Protein change: p.Arg1501Ser; replaces arginine 1501 with serine.
Molecular consequence: missense variant.
Genome position (GRCh38, 1-based): chr7:103,574,100, C>A on the plus strand (G>T on the coding strand, the complement: RELN is on the minus strand). VCF-style: chr7-103574100-C-A. GRCh37 (hg19) VCF-style: chr7-103214547-C-A.
Other names: c.4503G>T, p.Arg1501Ser (NM_173054.3); short protein forms R1501S.
Identifiers: ClinVar variation 2580638 (VCV002580638.2), dbSNP rs1326224843, ClinGen allele CA368750216.